The following is an entry in ClinVar:

ClinVar aggregate classification (germline): Uncertain significance (1 of 4 stars; one submission).

Conditions:
TRIO-related disorder. Also called: TRIO-related condition; TRIO-related disorders.

Submission:

PreventionGenetics, part of Exact Sciences
Classification: Uncertain significance for TRIO-related condition. Last evaluated: 2023-06-06. Review status: criteria provided, single submitter. Criteria: ACMG Guidelines, 2015. Collection method: clinical testing. Allele origin: germline.
Comment: The TRIO c.8074A>T variant is predicted to result in the amino acid substitution p.Ser2692Cys. To our knowledge, this variant has not been reported in the literature or in a large population database, indicating this variant is rare. At this time, the clinical significance of this variant is uncertain due to the absence of conclusive functional and genetic evidence.

NM_007118.4(TRIO):c.8074A>T (p.Ser2692Cys)

Genes: TRIO (trio Rho guanine nucleotide exchange factor; plus strand), LOC126807323 (CDK7 strongly-dependent group 2 enhancer GRCh37_chr5:14497716-14498915; plus strand). Cytogenetic location: 5p15.2.
Variant type: single nucleotide variant.
Coding change: c.8074A>T on transcript NM_007118.4 (MANE Select); coding-DNA position 8074, A replaced by T.
Protein change: p.Ser2692Cys; replaces serine 2692 with cysteine.
Molecular consequence: missense variant. On other transcripts: non-coding transcript variant (1).
Genome position (GRCh38, 1-based): chr5:14,498,115, A>T. VCF-style: chr5-14498115-A-T. GRCh37 (hg19) VCF-style: chr5-14498224-A-T.
Other names: short protein forms S2692C.
Identifiers: ClinVar variation 2632342 (VCV002632342.1), dbSNP rs2477611107, ClinGen allele CA359239115.